The following is an entry in ClinVar:

NM_006005.3(WFS1):c.1213T>C (p.Tyr405His)

Gene: WFS1 (wolframin ER transmembrane glycoprotein; plus strand). Cytogenetic location: 4p16.1.
Variant type: single nucleotide variant.
Coding change: c.1213T>C on transcript NM_006005.3 (MANE Select); coding-DNA position 1213, T replaced by C.
Protein change: p.Tyr405His; replaces tyrosine 405 with histidine.
Molecular consequence: missense variant.
Genome position (GRCh38, 1-based): chr4:6,301,008, T>C. VCF-style: chr4-6301008-T-C. GRCh37 (hg19) VCF-style: chr4-6302735-T-C.
Other names: c.1213T>C, p.Tyr405His (NM_001145853.1); short protein forms Y405H.
Identifiers: ClinVar variation 2581797 (VCV002581797.7), dbSNP rs1348049070, ClinGen allele CA356174473.
Genomic context (GRCh38, chr4:6,301,008, plus strand): 5'-GAGCCCAACCTGGATGTGGAGCAGGCCGAGGTCAACTTCGGCTGGAACCACCTGGAGCCC[T>C]ATGCCCATTTCCTGCTCTCTGTCTTCTTCGTCATCTTCTCCTTCCCCATCGCCAGCAAGG-3'
Protein context (NP_005996.2, residues 395-415): VNFGWNHLEP[Tyr405His]AHFLLSVFFV

ClinVar aggregate classification (germline): Uncertain significance. Review status: criteria provided, multiple submitters, no conflicts (2 of 4 stars). 4 submissions from 4 submitters: Uncertain significance (4). Last evaluated 2026-01-05.

Conditions:
Inborn genetic diseases. Identifiers: MedGen C0950123, MeSH D030342.

Allele frequency attached by ClinVar (database versions not stated): gnomAD exomes below 0.00001; TOPMed below 0.00001.
gnomAD v4.1: 3 of 1,614,006 alleles (0.00019%); highest among the groups gnomAD compares: Admixed American, 0.0017%; no homozygotes.

Submissions (4):

Ambry Genetics
Classification: Uncertain significance for Inborn genetic diseases. Last evaluated: 2026-01-05. Review status: criteria provided, single submitter. Criteria: Ambry Variant Classification Scheme 2023. Collection method: clinical testing. Allele origin: germline.
Comment: The c.1213T>C (p.Y405H) alteration is located in exon 8 (coding exon 7) of the WFS1 gene. This alteration results from a T to C substitution at nucleotide position 1213, causing the tyrosine (Y) at amino acid position 405 to be replaced by a histidine (H). Based on data from gnomAD, the C allele has an overall frequency of <0.001% (1/251484) total alleles studied. The highest observed frequency was 0.003% (1/34586) of Latino alleles. Based on insufficient or conflicting evidence, the clinical significance of this alteration remains unclear.

Dasa
Classification: Uncertain significance. Last evaluated: 2025-12-09. Review status: criteria provided, single submitter. Criteria: DASA Assertion Criteria. Collection method: clinical testing. Allele origin: germline.
Comment: NM_006005.3(WFS1):c.1213T>C (p.Tyr405His) is a missense variant that results in the substitution of tyrosine with histidine. This variant is rare in population databases. Computational prediction algorithms are consistent with a deleterious effect. The currently available literature and clinical evidence are not sufficient to establish a definitive association between this variant and the reported condition. Therefore, this variant is classified as a variant of uncertain significance.

GeneDx
Classification: Uncertain significance. Last evaluated: 2023-09-19. Review status: criteria provided, single submitter. Criteria: GeneDx Variant Classification Process June 2021. Collection method: clinical testing. Allele origin: germline. Affected: yes.
Comment: Has not been previously published as pathogenic or benign to our knowledge; In silico analysis supports that this missense variant has a deleterious effect on protein structure/function

Labcorp Genetics (formerly Invitae), Labcorp
Classification: Uncertain significance. Last evaluated: 2023-02-25. Review status: criteria provided, single submitter. Criteria: Invitae Variant Classification Sherloc (09022015). Collection method: clinical testing. Allele origin: germline.
Comment: In summary, the available evidence is currently insufficient to determine the role of this variant in disease. Therefore, it has been classified as a Variant of Uncertain Significance. Advanced modeling of protein sequence and biophysical properties (such as structural, functional, and spatial information, amino acid conservation, physicochemical variation, residue mobility, and thermodynamic stability) has been performed at Invitae for this missense variant, however the output from this modeling did not meet the statistical confidence thresholds required to predict the impact of this variant on WFS1 protein function. This variant has not been reported in the literature in individuals affected with WFS1-related conditions. This variant is present in population databases (no rsID available, gnomAD 0.003%). This sequence change replaces tyrosine, which is neutral and polar, with histidine, which is basic and polar, at codon 405 of the WFS1 protein (p.Tyr405His).